The following is an entry in ClinVar:

ClinVar aggregate classification (germline): Uncertain significance. Review status: criteria provided, multiple submitters, no conflicts (2 of 4 stars). 2 submissions from 2 submitters: Uncertain significance (2). Last evaluated 2025-08-13.

Conditions:
Inborn genetic diseases. Identifiers: MedGen C0950123, MeSH D030342.
Baller-Gerold syndrome (BGS). Also called: CRANIOSYNOSTOSIS WITH RADIAL DEFECTS. Identifiers: Orphanet 1225, MedGen C0265308, MONDO:0009039, OMIM 218600.

gnomAD v4.1: 2 of 1,596,328 alleles (0.00013%); highest among the groups gnomAD compares: Non-Finnish European, 0.00017%; no homozygotes.

Submissions (2):

Ambry Genetics
Classification: Uncertain significance for Inborn genetic diseases. Last evaluated: 2025-08-13. Review status: criteria provided, single submitter. Criteria: Ambry Variant Classification Scheme 2023. Collection method: clinical testing. Allele origin: germline.
Comment: The p.G53A variant (also known as c.158G>C), located in coding exon 3 of the RECQL4 gene, results from a G to C substitution at nucleotide position 158. The glycine at codon 53 is replaced by alanine, an amino acid with similar properties. This amino acid position is conserved. In addition, this alteration is predicted to be tolerated by in silico analysis. Based on the available evidence, the clinical significance of this variant remains unclear.

Labcorp Genetics (formerly Invitae), Labcorp
Classification: Uncertain significance for Baller-Gerold syndrome. Last evaluated: 2021-10-09. Review status: criteria provided, single submitter. Criteria: Invitae Variant Classification Sherloc (09022015). Collection method: clinical testing. Allele origin: germline.
Comment: In summary, the available evidence is currently insufficient to determine the role of this variant in disease. Therefore, it has been classified as a Variant of Uncertain Significance. Experimental studies and prediction algorithms are not available or were not evaluated, and the functional significance of this variant is currently unknown. This variant has not been reported in the literature in individuals affected with RECQL4-related conditions. This variant is not present in population databases (ExAC no frequency). This sequence change replaces glycine with alanine at codon 53 of the RECQL4 protein (p.Gly53Ala). The glycine residue is weakly conserved and there is a small physicochemical difference between glycine and alanine.

NM_004260.4(RECQL4):c.158G>C (p.Gly53Ala)

Genes: RECQL4 (RecQ like helicase 4; minus strand), LOC130001411 (ATAC-STARR-seq lymphoblastoid silent region 19699; plus strand). Cytogenetic location: 8q24.3.
Variant type: single nucleotide variant.
Coding change: c.158G>C on transcript NM_004260.4 (MANE Select); coding-DNA position 158, G replaced by C.
Protein change: p.Gly53Ala; replaces glycine 53 with alanine.
Molecular consequence: missense variant.
Genome position (GRCh38, 1-based): chr8:144,517,469, C>G on the plus strand (G>C on the coding strand, the complement: RECQL4 is on the minus strand). VCF-style: chr8-144517469-C-G. GRCh37 (hg19) VCF-style: chr8-145742853-C-G.
Other names: c.158G>C (NM_004260.3); short protein forms G53A.
Identifiers: ClinVar variation 1012033 (VCV001012033.6), dbSNP rs1381844543, ClinGen allele CA372692670.